The following is an entry in ClinVar:

ClinVar aggregate classification (germline): Uncertain significance (1 of 4 stars; one submission).

Submission:

Labcorp Genetics (formerly Invitae), Labcorp
Classification: Uncertain significance. Last evaluated: 2022-08-19. Review status: criteria provided, single submitter. Criteria: Invitae Variant Classification Sherloc (09022015). Collection method: clinical testing. Allele origin: germline.
Comment: In summary, the available evidence is currently insufficient to determine the role of this variant in disease. Therefore, it has been classified as a Variant of Uncertain Significance. This variant has not been reported in the literature in individuals affected with AHR-related conditions. This variant results in a copy number gain of the genomic region encompassing exon(s) 2-11 of the AHR gene. This region includes the termination codon of the gene. This copy number gain extends beyond the assayed region for this gene and therefore may encompass additional genes. As the precise location of this event is unknown, it may be in tandem or it may be located elsewhere in the genome.

NC_000007.13:g.(?_17349540)_(17382688_?)dup

Gene: AHR (aryl hydrocarbon receptor; plus strand). Cytogenetic location: 7p21.1.
Variant type: Duplication.
Identifiers: ClinVar variation 2424209 (VCV002424209.3).